The following is an entry in ClinVar:

NM_005334.3(HCFC1):c.3811A>G (p.Thr1271Ala)

Gene: HCFC1 (host cell factor C1; minus strand). Cytogenetic location: Xq28.
Variant type: single nucleotide variant.
Coding change: c.3811A>G on transcript NM_005334.3 (MANE Select); coding-DNA position 3811, A replaced by G.
Protein change: p.Thr1271Ala; replaces threonine 1271 with alanine.
Molecular consequence: missense variant.
Genome position (GRCh38, 1-based): chrX:153,954,588, T>C on the plus strand (A>G on the coding strand, the complement: HCFC1 is on the minus strand). VCF-style: chrX-153954588-T-C. GRCh37 (hg19) VCF-style: chrX-153220039-T-C.
Other names: c.3811A>G, p.Thr1271Ala (NM_001410705.1); short protein forms T1271A.
Identifiers: ClinVar variation 2132898 (VCV002132898.4), dbSNP rs2521544682, ClinGen allele CA415119263.

ClinVar aggregate classification (germline): Uncertain significance (1 of 4 stars; one submission).

Conditions:
Methylmalonic acidemia with homocystinuria, type cblX (MAHCX). Also called: INTELLECTUAL DEVELOPMENTAL DISORDER, X-LINKED 3. Identifiers: Orphanet 369962, MedGen C0796208, MONDO:0010657, OMIM 309541.

Submission:

Labcorp Genetics (formerly Invitae), Labcorp
Classification: Uncertain significance for Methylmalonic acidemia with homocystinuria, type cblX. Last evaluated: 2022-06-16. Review status: criteria provided, single submitter. Criteria: Invitae Variant Classification Sherloc (09022015). Collection method: clinical testing. Allele origin: germline.
Comment: Algorithms developed to predict the effect of missense changes on protein structure and function are either unavailable or do not agree on the potential impact of this missense change (SIFT: "Deleterious"; PolyPhen-2: "Probably Damaging"; Align-GVGD: "Class C0"). In summary, the available evidence is currently insufficient to determine the role of this variant in disease. Therefore, it has been classified as a Variant of Uncertain Significance. This variant has not been reported in the literature in individuals affected with HCFC1-related conditions. This variant is not present in population databases (gnomAD no frequency). This sequence change replaces threonine, which is neutral and polar, with alanine, which is neutral and non-polar, at codon 1271 of the HCFC1 protein (p.Thr1271Ala).